The following is an entry in ClinVar:

NM_002386.4(MC1R):c.686_688dup (p.Arg229_Pro230insArg)

Gene: MC1R (melanocortin 1 receptor; plus strand). Cytogenetic location: 16q24.3.
Variant type: Duplication.
Coding change: c.686_688dup on transcript NM_002386.4 (MANE Select); coding-DNA positions 686 to 688, 3 bases duplicated (GCC; older notation c.686_688dupGCC).
Protein change: p.Arg229_Pro230insArg.
Molecular consequence: inframe insertion.
Genome position (GRCh38, 1-based): chr16:89,919,944-89,919,946, GCC duplicated; duplicating any 3 consecutive bases within chr16:89,919,943-89,919,946 gives the same sequence; the c. name uses the placement nearest the transcript's 3' end. VCF-style (leftmost placement, unchanged base first): chr16-89919942-G-GCGC. GRCh37 (hg19) VCF-style: chr16-89986350-G-GCGC.
Identifiers: ClinVar variation 3011315 (VCV003011315.3), dbSNP rs2544610151, ClinGen allele CA2740095170.

ClinVar aggregate classification (germline): Uncertain significance (1 of 4 stars; one submission).

Conditions:
Melanoma, cutaneous malignant, susceptibility to, 5. Also called: Cutaneous malignant melanoma 5. Identifiers: Orphanet 618, MedGen C2751295, MONDO:0013133, OMIM 613099.

Submission:

Labcorp Genetics (formerly Invitae), Labcorp
Classification: Uncertain significance for Melanoma, cutaneous malignant, susceptibility to, 5. Last evaluated: 2022-11-23. Review status: criteria provided, single submitter. Criteria: Invitae Variant Classification Sherloc (09022015). Collection method: clinical testing. Allele origin: germline.
Comment: This variant, c.686_688dup, results in the insertion of 1 amino acid(s) of the MC1R protein (p.Arg229dup), but otherwise preserves the integrity of the reading frame. This variant is not present in population databases (gnomAD no frequency). This variant has not been reported in the literature in individuals affected with MC1R-related conditions. In summary, the available evidence is currently insufficient to determine the role of this variant in disease. Therefore, it has been classified as a Variant of Uncertain Significance.